The following is an entry in ClinVar:

NM_000138.5(FBN1):c.2779G>A (p.Val927Ile)

Gene: FBN1 (fibrillin 1; minus strand). Cytogenetic location: 15q21.1.
Variant type: single nucleotide variant.
Coding change: c.2779G>A on transcript NM_000138.5 (MANE Select); coding-DNA position 2779, G replaced by A.
Protein change: p.Val927Ile; replaces valine 927 with isoleucine.
Molecular consequence: missense variant.
Genome position (GRCh38, 1-based): chr15:48,492,536, C>T on the plus strand (G>A on the coding strand, the complement: FBN1 is on the minus strand). VCF-style: chr15-48492536-C-T. GRCh37 (hg19) VCF-style: chr15-48784733-C-T.
Other names: c.2779G>A, p.Val927Ile (NM_001406716.1); short protein forms V927I.
Identifiers: ClinVar variation 1795887 (VCV001795887.2), dbSNP rs2505564608, ClinGen allele CA392330712.

ClinVar aggregate classification (germline): Uncertain significance (1 of 4 stars; one submission).

Conditions:
Familial thoracic aortic aneurysm and aortic dissection (TAAD). Also called: Thoracic aortic aneurysms and dissections. Identifiers: Orphanet 91387, MedGen C4707243, MONDO:0019625.

Submission:

Ambry Genetics
Classification: Uncertain significance for Familial thoracic aortic aneurysm and aortic dissection. Last evaluated: 2020-12-22. Review status: criteria provided, single submitter. Criteria: Ambry Variant Classification Scheme 2023. Collection method: clinical testing. Allele origin: germline.
Comment: The p.V927I variant (also known as c.2779G>A), located in coding exon 23 of the FBN1 gene, results from a G to A substitution at nucleotide position 2779. The valine at codon 927 is replaced by isoleucine, an amino acid with highly similar properties. This amino acid position is well conserved in available vertebrate species; however, isoleucine is the reference amino acid in other vertebrate species. In addition, this alteration is predicted to be tolerated by in silico analysis. Since supporting evidence is limited at this time, the clinical significance of this alteration remains unclear.